The following is an entry in ClinVar:

ClinVar aggregate classification (germline): Pathogenic (1 of 4 stars; one submission).

Submission:

Labcorp Genetics (formerly Invitae), Labcorp
Classification: Pathogenic. Last evaluated: 2022-08-22. Review status: criteria provided, single submitter. Criteria: Invitae Variant Classification Sherloc (09022015). Collection method: clinical testing. Allele origin: unknown.
Comment: For these reasons, this variant has been classified as Pathogenic. This variant disrupts a region of the CHM protein in which other variant(s) (p.Tyr573Cysfs*12) have been determined to be pathogenic (PMID: 26327910). This suggests that this is a clinically significant region of the protein, and that variants that disrupt it are likely to be disease-causing. A similar copy number variant has been observed in individual(s) with a personal or family history of choroideremia (PMID: 23811034). This variant is a gross deletion of the genomic region encompassing exon(s) 3-15 of the CHM gene, which includes the termination codon. This deletion extends beyond the assayed region for this gene and therefore may encompass additional genes. While this deletion is not anticipated to lead to nonsense mediated decay, it is expected to alter mRNA translation or result in a truncated protein product.

Literature cited by the submitters: PubMed 26327910; PubMed 23811034.

NC_000023.10:g.(?_85119635)_(85236833_?)del

Gene: CHM (CHM Rab escort protein; minus strand). Cytogenetic location: Xq21.2.
Variant type: Deletion.
Identifiers: ClinVar variation 3245866 (VCV003245866.1).